The following is an entry in ClinVar:

NM_001613.4(ACTA2):c.531C>T (p.Ile177=)

Gene: ACTA2 (actin alpha 2, smooth muscle; minus strand). Cytogenetic location: 10q23.31.
Variant type: single nucleotide variant.
Coding change: c.531C>T on transcript NM_001613.4 (MANE Select); coding-DNA position 531, C replaced by T.
Protein change: p.Ile177=; no amino-acid change (isoleucine 177 retained).
Molecular consequence: synonymous variant.
Genome position (GRCh38, 1-based): chr10:88,941,314, G>A on the plus strand (C>T on the coding strand, the complement: ACTA2 is on the minus strand). VCF-style: chr10-88941314-G-A. GRCh37 (hg19) VCF-style: chr10-90701071-G-A.
Other names: c.531C>T, p.Ile177= (NM_001141945.3, NM_001320855.2, NM_001406462.1 and 3 more transcripts); c.420C>T, p.Ile140= (NM_001406466.1); c.402C>T, p.Ile134= (NM_001406467.1, NM_001406468.1, NM_001406469.1).
Identifiers: ClinVar variation 3386245 (VCV003386245.1).

ClinVar aggregate classification (germline): Likely benign (1 of 4 stars; one submission).

Conditions:
Familial thoracic aortic aneurysm and aortic dissection (TAAD). Also called: Thoracic aortic aneurysms and dissections. Identifiers: Orphanet 91387, MedGen C4707243, MONDO:0019625.

Submission:

All of Us Research Program, National Institutes of Health
Classification: Likely benign for Familial thoracic aortic aneurysm and aortic dissection. Last evaluated: 2024-05-30. Review status: criteria provided, single submitter. Criteria: ACMG Guidelines, 2015. Collection method: clinical testing. Allele origin: germline. Inheritance: Autosomal dominant inheritance. Observed: 1 variant allele, 1 heterozygote.
Comment: This study involves interpretation of variants in research participants for the purpose of population health screening. Participant phenotype was not available at the time of variant classification. Additional details can be found in publication PMID: 35346344, PMCID: PMC8962531